The following is an entry in ClinVar:

ClinVar aggregate classification (germline): Uncertain significance (0 of 4 stars; one submission).

Conditions:
CREBBP-related disorder. Also called: CREBBP-related condition; CREBBP-related disorders.

Submission:

PreventionGenetics, part of Exact Sciences
Classification: Uncertain significance for CREBBP-related condition. Last evaluated: 2024-05-31. Review status: no assertion criteria provided. Collection method: clinical testing. Allele origin: germline.
Comment: The CREBBP c.3496C>T variant is predicted to result in the amino acid substitution p.Leu1166Phe. To our knowledge, this variant has not been reported in the literature or in gnomAD, indicating this variant is rare. At this time, the clinical significance of this variant is uncertain due to the absence of conclusive functional and genetic evidence.

NM_004380.3(CREBBP):c.3496C>T (p.Leu1166Phe)

Gene: CREBBP (CREB binding lysine acetyltransferase; minus strand). Cytogenetic location: 16p13.3.
Variant type: single nucleotide variant.
Coding change: c.3496C>T on transcript NM_004380.3 (MANE Select); coding-DNA position 3496, C replaced by T.
Protein change: p.Leu1166Phe; replaces leucine 1166 with phenylalanine.
Molecular consequence: missense variant.
Genome position (GRCh38, 1-based): chr16:3,757,922, G>A on the plus strand (C>T on the coding strand, the complement: CREBBP is on the minus strand). VCF-style: chr16-3757922-G-A. GRCh37 (hg19) VCF-style: chr16-3807923-G-A.
Other names: c.3382C>T, p.Leu1128Phe (NM_001079846.1); short protein forms L1128F, L1166F.
Identifiers: ClinVar variation 3345483 (VCV003345483.1).